The following is an entry in ClinVar:

ClinVar aggregate classification (germline): Uncertain significance. Review status: criteria provided, single submitter (1 of 4 stars). 2 submissions from 2 submitters: Uncertain significance (1). 1 of the submissions does not count toward it. Last evaluated 2025-07-01.

Conditions:
PTPRQ-related disorder. Also called: PTPRQ-related condition.

Allele frequency attached by ClinVar (database versions not stated): gnomAD exomes 0.00012; 1000 Genomes Project 0.00020; ExAC 0.00005; 1000 Genomes Project 30x 0.00016.
gnomAD v4.1: 96 of 1,550,540 alleles (0.0062%); highest among the groups gnomAD compares: African/African-American, 0.052%; no homozygotes.

Submissions (2):

GeneDx
Classification: Uncertain significance. Last evaluated: 2025-07-01. Review status: criteria provided, single submitter. Criteria: GeneDx Variant Classification Process June 2021. Collection method: clinical testing. Allele origin: germline. Affected: yes.
Comment: In silico analysis suggests that this missense variant does not alter protein structure/function; Has not been previously published as pathogenic or benign to our knowledge

PreventionGenetics, part of Exact Sciences
Classification: Likely benign for PTPRQ-related condition. Last evaluated: 2023-06-29. Review status: no assertion criteria provided. Collection method: clinical testing. Allele origin: germline. Not counted in ClinVar's aggregate classification.
Comment: This variant is classified as likely benign based on ACMG/AMP sequence variant interpretation guidelines (Richards et al. 2015 PMID: 25741868, with internal and published modifications).

NM_001145026.2(PTPRQ):c.1651A>G (p.Ile551Val)

Gene: PTPRQ (protein tyrosine phosphatase receptor type Q; plus strand). Cytogenetic location: 12q21.31.
Variant type: single nucleotide variant.
Coding change: c.1651A>G on transcript NM_001145026.2 (MANE Select); coding-DNA position 1651, A replaced by G.
Protein change: p.Ile551Val; replaces isoleucine 551 with valine.
Molecular consequence: missense variant.
Genome position (GRCh38, 1-based): chr12:80,495,043, A>G. VCF-style: chr12-80495043-A-G. GRCh37 (hg19) VCF-style: chr12-80888822-A-G.
Other names: short protein forms I551V.
Identifiers: ClinVar variation 1192181 (VCV001192181.7), dbSNP rs183202655, ClinGen allele CA6702447.